The following is an entry in ClinVar:

NM_000393.5(COL5A2):c.239T>A (p.Leu80Gln)

Gene: COL5A2 (collagen type V alpha 2 chain; minus strand). Cytogenetic location: 2q32.2.
Variant type: single nucleotide variant.
Coding change: c.239T>A on transcript NM_000393.5 (MANE Select); coding-DNA position 239, T replaced by A.
Protein change: p.Leu80Gln; replaces leucine 80 with glutamine.
Molecular consequence: missense variant.
Genome position (GRCh38, 1-based): chr2:189,110,308, A>T on the plus strand (T>A on the coding strand, the complement: COL5A2 is on the minus strand). VCF-style: chr2-189110308-A-T. GRCh37 (hg19) VCF-style: chr2-189975034-A-T.
Other names: short protein forms L80Q.
Identifiers: ClinVar variation 953965 (VCV000953965.16), dbSNP rs1458760818, ClinGen allele CA349867847.
Genomic context (GRCh38, chr2:189,110,308, plus strand): 5'-GGTGTTTGTGAACAGACAGGACAGCATTCCCCAGGGGGCGTTACAGGGTCGGCACAGTCC[A>T]GCACATCCTGGCATTCTATCTTGTCACAGAGAATGGCTCCATTGTCACAGACACAGATCT-3'
Protein context (NP_000384.2, residues 70-90): LCDKIECQDV[Leu80Gln]DCADPVTPPG

ClinVar aggregate classification (germline): Uncertain significance. Review status: criteria provided, multiple submitters, no conflicts (2 of 4 stars). 4 submissions from 4 submitters: Uncertain significance (3). 1 of the submissions does not count toward it. Last evaluated 2025-07-03.

Conditions:
Familial thoracic aortic aneurysm and aortic dissection (TAAD). Also called: Thoracic aortic aneurysms and dissections. Identifiers: Orphanet 91387, MedGen C4707243, MONDO:0019625.
Ehlers-Danlos syndrome, classic type, 1 (EDSCL1). Also called: Ehlers-Danlos syndrome, type 1; EHLERS-DANLOS SYNDROME, GRAVIS TYPE; EHLERS-DANLOS SYNDROME, SEVERE CLASSIC TYPE; EDS I; Ehlers-Danlos Syndrome, Classic Type, COL5A1-Related. Identifiers: MedGen C0268335, MONDO:0019567, OMIM 130000.
Ehlers-Danlos syndrome, classic type, 2 (EDSCL2). Also called: Ehlers-Danlos syndrome, type 2; Ehlers-Danlos syndrome type 2 (formerly); Ehlers-Danlos Syndrome, Classic Type, COL5A2-Related. Identifiers: Orphanet 287, Orphanet 90318, MedGen C0268336, MONDO:0019568, OMIM 130010.

Allele frequency attached by ClinVar (database versions not stated): gnomAD exomes below 0.00001; TOPMed 0.00002; gnomAD 0.00001.
gnomAD v4.1: 2 of 1,614,048 alleles (0.00012%); highest among the groups gnomAD compares: Non-Finnish European, 0.00017%; no homozygotes.

Submissions (4):

Ambry Genetics
Classification: Uncertain significance for Familial thoracic aortic aneurysm and aortic dissection. Last evaluated: 2025-07-03. Review status: criteria provided, single submitter. Criteria: Ambry Variant Classification Scheme 2023. Collection method: clinical testing. Allele origin: germline.
Comment: The p.L80Q variant (also known as c.239T>A), located in coding exon 2 of the COL5A2 gene, results from a T to A substitution at nucleotide position 239. The leucine at codon 80 is replaced by glutamine, an amino acid with dissimilar properties. This variant was reported in individual(s) with features consistent with connective tissue disorder (Ambry internal data). This amino acid position is not well conserved in available vertebrate species. In addition, this alteration is predicted to be tolerated by in silico analysis. Based on the available evidence, the clinical significance of this variant remains unclear.

Labcorp Genetics (formerly Invitae), Labcorp
Classification: Uncertain significance for Ehlers-Danlos syndrome, classic type, 1. Last evaluated: 2024-07-17. Review status: criteria provided, single submitter. Criteria: Invitae Variant Classification Sherloc (09022015). Collection method: clinical testing. Allele origin: germline.
Comment: This sequence change replaces leucine, which is neutral and non-polar, with glutamine, which is neutral and polar, at codon 80 of the COL5A2 protein (p.Leu80Gln). This variant is not present in population databases (gnomAD no frequency). This variant has not been reported in the literature in individuals affected with COL5A2-related conditions. ClinVar contains an entry for this variant (Variation ID: 953965). Advanced modeling of protein sequence and biophysical properties (such as structural, functional, and spatial information, amino acid conservation, physicochemical variation, residue mobility, and thermodynamic stability) has been performed at Invitae for this missense variant, however the output from this modeling did not meet the statistical confidence thresholds required to predict the impact of this variant on COL5A2 protein function. In summary, the available evidence is currently insufficient to determine the role of this variant in disease. Therefore, it has been classified as a Variant of Uncertain Significance.

GeneDx
Classification: Uncertain significance. Last evaluated: 2019-06-14. Review status: criteria provided, single submitter. Criteria: GeneDx Variant Classification Process June 2021. Collection method: clinical testing. Allele origin: germline. Affected: yes.
Comment: Not observed in large population cohorts (Lek et al., 2016); In silico analysis, which includes protein predictors and evolutionary conservation, supports that this variant does not alter protein structure/function; Has not been previously published as pathogenic or benign to our knowledge

Clinical Genetics Laboratory, University Hospital Schleswig-Holstein
Classification: Uncertain significance for Ehlers-Danlos syndrome, classic type, 2. Last evaluated: 2023-05-31. Review status: no assertion criteria provided. Collection method: clinical testing. Allele origin: germline. Affected: yes. Not counted in ClinVar's aggregate classification.